The following is an entry in ClinVar:

ClinVar aggregate classification (germline): Uncertain significance (1 of 4 stars; one submission).

Allele frequency attached by ClinVar (database versions not stated): TOPMed below 0.00001.

Submission:

Labcorp Genetics (formerly Invitae), Labcorp
Classification: Uncertain significance. Last evaluated: 2024-09-24. Review status: criteria provided, single submitter. Criteria: Invitae Variant Classification Sherloc (09022015). Collection method: clinical testing. Allele origin: germline.
Comment: This sequence change falls in intron 10 of the GUF1 gene. It does not directly change the encoded amino acid sequence of the GUF1 protein. It affects a nucleotide within the consensus splice site. This variant is not present in population databases (gnomAD no frequency). This variant has not been reported in the literature in individuals affected with GUF1-related conditions. ClinVar contains an entry for this variant (Variation ID: 1961625). Variants that disrupt the consensus splice site are a relatively common cause of aberrant splicing (PMID: 17576681, 9536098). Algorithms developed to predict the effect of sequence changes on RNA splicing suggest that this variant is not likely to affect RNA splicing. In summary, the available evidence is currently insufficient to determine the role of this variant in disease. Therefore, it has been classified as a Variant of Uncertain Significance.

Literature cited by the submitters: PubMed 17576681; PubMed 9536098.

NM_021927.3(GUF1):c.1203-3C>T

Gene: GUF1 (GTP binding elongation factor GUF1; plus strand). Cytogenetic location: 4p12.
Variant type: single nucleotide variant.
Coding change: c.1203-3C>T on transcript NM_021927.3 (MANE Select); 3 bases into the intron before coding-DNA position 1203, C replaced by T.
Molecular consequence: intron variant.
Genome position (GRCh38, 1-based): chr4:44,689,840, C>T. VCF-style: chr4-44689840-C-T. GRCh37 (hg19) VCF-style: chr4-44691857-C-T.
Other names: c.1203-3C>T (NM_001345868.2); c.231-3C>T (NM_001345867.2, NM_001345869.2).
Identifiers: ClinVar variation 1961625 (VCV001961625.5), dbSNP rs368954841, ClinGen allele CA1453944794.